The following is an entry in ClinVar:

ClinVar aggregate classification (germline): Uncertain significance (1 of 4 stars; one submission).

Allele frequency attached by ClinVar (database versions not stated): gnomAD exomes below 0.00001.
gnomAD v4.1: 2 of 1,613,828 alleles (0.00012%); highest among the groups gnomAD compares: Non-Finnish European, 0.00017%; no homozygotes.

Submission:

Labcorp Genetics (formerly Invitae), Labcorp
Classification: Uncertain significance. Last evaluated: 2023-01-15. Review status: criteria provided, single submitter. Criteria: Invitae Variant Classification Sherloc (09022015). Collection method: clinical testing. Allele origin: germline.
Comment: This variant has not been reported in the literature in individuals affected with CNOT1-related conditions. In summary, the available evidence is currently insufficient to determine the role of this variant in disease. Therefore, it has been classified as a Variant of Uncertain Significance. Algorithms developed to predict the effect of missense changes on protein structure and function are either unavailable or do not agree on the potential impact of this missense change (SIFT: "Deleterious"; PolyPhen-2: "Probably Damaging"; Align-GVGD: "Class C0"). This variant is not present in population databases (gnomAD no frequency). This sequence change replaces tyrosine, which is neutral and polar, with serine, which is neutral and polar, at codon 2259 of the CNOT1 protein (p.Tyr2259Ser).

NM_016284.5(CNOT1):c.6791A>C (p.Tyr2264Ser)

Genes: CNOT1 (CCR4-NOT transcription complex subunit 1; minus strand), SETD6 (SET domain containing 6, protein lysine methyltransferase; plus strand). Cytogenetic location: 16q21.
Variant type: single nucleotide variant.
Coding change: c.6791A>C on transcript NM_016284.5 (MANE Select); coding-DNA position 6791, A replaced by C.
Protein change: p.Tyr2264Ser; replaces tyrosine 2264 with serine.
Molecular consequence: missense variant. On other transcripts: non-coding transcript variant (1), 3 prime UTR variant (1).
Genome position (GRCh38, 1-based): chr16:58,523,496, T>G on the plus strand (A>C on the coding strand, the complement: CNOT1 is on the minus strand). VCF-style: chr16-58523496-T-G. GRCh37 (hg19) VCF-style: chr16-58557400-T-G.
Other names: c.6776A>C, p.Tyr2259Ser (NM_001265612.2); c.*4467T>G (NM_001160305.4); short protein forms Y2264S, Y2259S.
Identifiers: ClinVar variation 3017281 (VCV003017281.3), dbSNP rs958176465, ClinGen allele CA281668581.